The following is an entry in ClinVar:

ClinVar aggregate classification (germline): Pathogenic (1 of 4 stars; one submission).

Submission:

Labcorp Genetics (formerly Invitae), Labcorp
Classification: Pathogenic. Last evaluated: 2024-02-20. Review status: criteria provided, single submitter. Criteria: Invitae Variant Classification Sherloc (09022015). Collection method: clinical testing. Allele origin: germline.
Comment: This sequence change creates a premature translational stop signal (p.Gln117*) in the TPP1 gene. It is expected to result in an absent or disrupted protein product. Loss-of-function variants in TPP1 are known to be pathogenic (PMID: 10330339). This variant is not present in population databases (gnomAD no frequency). This variant has not been reported in the literature in individuals affected with TPP1-related conditions. For these reasons, this variant has been classified as Pathogenic.

Literature cited by the submitters: PubMed 10330339.

NM_000391.4(TPP1):c.349C>T (p.Gln117Ter)

Gene: TPP1 (tripeptidyl peptidase 1; minus strand). Cytogenetic location: 11p15.4.
Variant type: single nucleotide variant.
Coding change: c.349C>T on transcript NM_000391.4 (MANE Select); coding-DNA position 349, C replaced by T.
Protein change: p.Gln117Ter; replaces glutamine 117 with a stop codon.
Molecular consequence: nonsense.
Genome position (GRCh38, 1-based): chr11:6,617,657, G>A on the plus strand (C>T on the coding strand, the complement: TPP1 is on the minus strand). VCF-style: chr11-6617657-G-A. GRCh37 (hg19) VCF-style: chr11-6638888-G-A.
Other names: short protein forms Q117*.
Identifiers: ClinVar variation 3640886 (VCV003640886.2).
Genomic context (GRCh38, chr11:6,617,657, plus strand): 5'-CCCTCCATGGAGCAATCATTTCCTCTCACCGGATGCTCAGCCAGCAAGTCAGAAAGTCCT[G>A]TGTGATCACAGAATGGCACTTCTGGGCTCCGGCTGCCAAGAGCCATTTTTGCACCGTGTG-3'